The following is an entry in ClinVar:

ClinVar aggregate classification (germline): Pathogenic (1 of 4 stars; one submission).

Conditions:
Spastic paraplegia. Identifiers: MedGen C0037772, HP:0001258.

Submission:

Labcorp Genetics (formerly Invitae), Labcorp
Classification: Pathogenic for Spastic paraplegia. Last evaluated: 2024-11-13. Review status: criteria provided, single submitter. Criteria: Invitae Variant Classification Sherloc (09022015). Collection method: clinical testing. Allele origin: germline.
Comment: This sequence change creates a premature translational stop signal (p.Thr331Lysfs*3) in the SLC33A1 gene. It is expected to result in an absent or disrupted protein product. Loss-of-function variants in SLC33A1 are known to be pathogenic (PMID: 22243965, 27306358). This variant is not present in population databases (gnomAD no frequency). This variant has not been reported in the literature in individuals affected with SLC33A1-related conditions. For these reasons, this variant has been classified as Pathogenic.

Literature cited by the submitters: PubMed 22243965; PubMed 27306358.

NM_004733.4(SLC33A1):c.992del (p.Thr331fs)

Gene: SLC33A1 (solute carrier family 33 member 1; minus strand). Cytogenetic location: 3q25.31.
Variant type: Deletion.
Coding change: c.992del on transcript NM_004733.4 (MANE Select); coding-DNA position 992, one base deleted (C; older notation c.992delC).
Protein change: p.Thr331fs; shifts the reading frame from threonine 331.
Molecular consequence: frameshift variant.
Genome position (GRCh38, 1-based): chr3:155,834,013, G deleted on the plus strand (C on the coding strand, the reverse complement: SLC33A1 is on the minus strand). VCF-style (leftmost placement, unchanged base first): chr3-155834012-TG-T. GRCh37 (hg19) VCF-style: chr3-155551801-TG-T.
Other names: c.992del, p.Thr331fs (NM_001190992.2); c.804del, p.Asn268fs (NM_001363883.1); short protein forms T331fs, N268fs.
Identifiers: ClinVar variation 3725172 (VCV003725172.2).